The following is an entry in ClinVar:

ClinVar aggregate classification (germline): Uncertain significance (1 of 4 stars; one submission).

Submission:

Labcorp Genetics (formerly Invitae), Labcorp
Classification: Uncertain significance. Last evaluated: 2025-12-31. Review status: criteria provided, single submitter. Criteria: Invitae Variant Classification Sherloc (09022015). Collection method: clinical testing. Allele origin: germline.
Comment: This sequence change replaces lysine, which is basic and polar, with arginine, which is basic and polar, at codon 617 of the MSH3 protein (p.Lys617Arg). This variant is not present in population databases (gnomAD no frequency). This variant has not been reported in the literature in individuals affected with MSH3-related conditions. ClinVar contains an entry for this variant (Variation ID: 1000095). An algorithm developed to predict the effect of missense changes on protein structure and function (PolyPhen-2) suggests that this variant is likely to be tolerated. In summary, the available evidence is currently insufficient to determine the role of this variant in disease. Therefore, it has been classified as a Variant of Uncertain Significance.

NM_002439.5(MSH3):c.1850A>G (p.Lys617Arg)

Gene: MSH3 (mutS homolog 3; plus strand). Cytogenetic location: 5q14.1.
Variant type: single nucleotide variant.
Coding change: c.1850A>G on transcript NM_002439.5 (MANE Select); coding-DNA position 1850, A replaced by G.
Protein change: p.Lys617Arg; replaces lysine 617 with arginine.
Molecular consequence: missense variant.
Genome position (GRCh38, 1-based): chr5:80,761,632, A>G. VCF-style: chr5-80761632-A-G. GRCh37 (hg19) VCF-style: chr5-80057451-A-G.
Other names: short protein forms K617R.
Identifiers: ClinVar variation 1000095 (VCV001000095.8), dbSNP rs1744036657, ClinGen allele CA360276646.